The following is an entry in ClinVar:

NM_198578.4(LRRK2):c.2963A>G (p.Asp988Gly)

Gene: LRRK2 (leucine rich repeat kinase 2; plus strand). Cytogenetic location: 12q12.
Variant type: single nucleotide variant.
Coding change: c.2963A>G on transcript NM_198578.4 (MANE Select); coding-DNA position 2963, A replaced by G.
Protein change: p.Asp988Gly; replaces aspartic acid 988 with glycine.
Molecular consequence: missense variant.
Genome position (GRCh38, 1-based): chr12:40,295,511, A>G. VCF-style: chr12-40295511-A-G. GRCh37 (hg19) VCF-style: chr12-40689313-A-G.
Other names: short protein forms D988G.
Identifiers: ClinVar variation 2567329 (VCV002567329.2), dbSNP rs2499728566, ClinGen allele CA384412660.
Genomic context (GRCh38, chr12:40,295,511, plus strand): 5'-TGAGGCATTCAGACAGCATTTCTTCTCTGGCTTCTGAGAGAGAATATATTACATCACTAG[A>G]CCTTTCAGCAAATGAACTAAGAGATATTGATGCCCTAAGCCAGAAATGCTGTATAAGTGT-3'
Protein context (NP_940980.4, residues 978-998): ASEREYITSL[Asp988Gly]LSANELRDID

ClinVar aggregate classification (germline): Uncertain significance (1 of 4 stars; one submission).

Conditions:
Inborn genetic diseases. Identifiers: MedGen C0950123, MeSH D030342.

Submission:

Ambry Genetics
Classification: Uncertain significance for Inborn genetic diseases. Last evaluated: 2023-03-22. Review status: criteria provided, single submitter. Criteria: Ambry Variant Classification Scheme 2023. Collection method: clinical testing. Allele origin: germline.
Comment: The p.D988G variant (also known as c.2963A>G), located in coding exon 23 of the LRRK2 gene, results from an A to G substitution at nucleotide position 2963. The aspartic acid at codon 988 is replaced by glycine, an amino acid with similar properties. This amino acid position is conserved. In addition, this alteration is predicted to be deleterious by in silico analysis. Since supporting evidence is limited at this time, the clinical significance of this alteration remains unclear.